The following is an entry in ClinVar:

ClinVar aggregate classification (germline): Uncertain significance (1 of 4 stars; one submission).

Allele frequency attached by ClinVar (database versions not stated): gnomAD exomes below 0.00001.
gnomAD v4.1: 1 of 1,611,660 alleles (0.000062%); no homozygotes.

Submission:

Labcorp Genetics (formerly Invitae), Labcorp
Classification: Uncertain significance. Last evaluated: 2023-04-24. Review status: criteria provided, single submitter. Criteria: Invitae Variant Classification Sherloc (09022015). Collection method: clinical testing. Allele origin: germline.
Comment: In summary, the available evidence is currently insufficient to determine the role of this variant in disease. Therefore, it has been classified as a Variant of Uncertain Significance. An algorithm developed to predict the effect of missense changes on protein structure and function (PolyPhen-2) suggests that this variant is likely to be disruptive. This variant has not been reported in the literature in individuals affected with TOP3A-related conditions. This variant is present in population databases (no rsID available, gnomAD 0.01%). This sequence change replaces threonine, which is neutral and polar, with serine, which is neutral and polar, at codon 512 of the TOP3A protein (p.Thr512Ser).

NM_004618.5(TOP3A):c.1535C>G (p.Thr512Ser)

Gene: TOP3A (DNA topoisomerase III alpha; minus strand). Cytogenetic location: 17p11.2.
Variant type: single nucleotide variant.
Coding change: c.1535C>G on transcript NM_004618.5 (MANE Select); coding-DNA position 1535, C replaced by G.
Protein change: p.Thr512Ser; replaces threonine 512 with serine.
Molecular consequence: missense variant.
Genome position (GRCh38, 1-based): chr17:18,290,619, G>C on the plus strand (C>G on the coding strand, the complement: TOP3A is on the minus strand). VCF-style: chr17-18290619-G-C. GRCh37 (hg19) VCF-style: chr17-18193933-G-C.
Other names: c.1250C>G, p.Thr417Ser (NM_001320759.2); short protein forms T512S, T417S.
Identifiers: ClinVar variation 2858947 (VCV002858947.3), dbSNP rs1474661696, ClinGen allele CA398631132.